The following is an entry in ClinVar:

ClinVar aggregate classification (germline): Likely pathogenic. Review status: criteria provided, single submitter (1 of 4 stars). 2 submissions from 2 submitters: Likely pathogenic (1). 1 of the submissions does not count toward it. Last evaluated 2024-10-11.

Conditions:
Ornithine carbamoyltransferase deficiency (OTCD). Also called: ORNITHINE TRANSCARBAMYLASE DEFICIENCY, HYPERAMMONEMIA DUE TO; ORNITHINE TRANSCARBAMYLASE DEFICIENCY; OTC DEFICIENCY; Ornithine Carbamoyltransferase Deficiency Disease. Identifiers: Orphanet 664, MedGen C0268542, MONDO:0010703, OMIM 311250.

Submissions (2):

Revvity Omics, Revvity
Classification: Likely pathogenic for Ornithine carbamoyltransferase deficiency. Last evaluated: 2024-10-11. Review status: criteria provided, single submitter. Criteria: ACMG Guidelines, 2015. Collection method: clinical testing. Allele origin: germline.

GenMed Metabolism Lab
Classification: Pathogenic. Review status: no assertion criteria provided. Collection method: not provided. Allele origin: unknown. Not counted in ClinVar's aggregate classification.
Comment: p.Arg277Leu, Late
ClinVar note: Converted during submission from pathogenic to Pathogenic.

NM_000531.6(OTC):c.830G>T (p.Arg277Leu)

Gene: OTC (ornithine transcarbamylase; plus strand). Cytogenetic location: Xp11.4.
Variant type: single nucleotide variant.
Coding change: c.830G>T on transcript NM_000531.6 (MANE Select); coding-DNA position 830, G replaced by T.
Protein change: p.Arg277Leu; replaces arginine 277 with leucine.
Molecular consequence: missense variant.
Genome position (GRCh38, 1-based): chrX:38,408,988, G>T. VCF-style: chrX-38408988-G-T. GRCh37 (hg19) VCF-style: chrX-38268241-G-T.
Other names: short protein forms R277L.
Identifiers: ClinVar variation 97340 (VCV000097340.3), dbSNP rs66724222, ClinGen allele CA224809.